The following is an entry in ClinVar:

ClinVar aggregate classification (germline): Uncertain significance (1 of 4 stars; one submission).

Conditions:
Inborn genetic diseases. Identifiers: MedGen C0950123, MeSH D030342.

Submission:

Ambry Genetics
Classification: Uncertain significance for Inborn genetic diseases. Last evaluated: 2026-05-28. Review status: criteria provided, single submitter. Criteria: Ambry Variant Classification Scheme 2023. Collection method: clinical testing. Allele origin: germline.
Comment: The c.1266G>C (p.E422D) alteration is located in exon 1 (coding exon 1) of the IRF2BPL gene. This alteration results from a G to C substitution at nucleotide position 1266, causing the glutamic acid (E) at amino acid position 422 to be replaced by an aspartic acid (D). This variant was not reported in population-based cohorts in the Genome Aggregation Database (gnomAD). This amino acid position is highly conserved in available vertebrate species. This alteration is predicted to be tolerated by in silico analysis. Based on insufficient or conflicting evidence, the clinical significance of this alteration remains unclear.

NM_024496.4(IRF2BPL):c.1266G>C (p.Glu422Asp)

Gene: IRF2BPL (interferon regulatory factor 2 binding protein like; minus strand). Cytogenetic location: 14q24.3.
Variant type: single nucleotide variant.
Coding change: c.1266G>C on transcript NM_024496.4 (MANE Select); coding-DNA position 1266, G replaced by C.
Protein change: p.Glu422Asp; replaces glutamic acid 422 with aspartic acid.
Molecular consequence: missense variant.
Genome position (GRCh38, 1-based): chr14:77,026,527, C>G on the plus strand (G>C on the coding strand, the complement: IRF2BPL is on the minus strand). VCF-style: chr14-77026527-C-G. GRCh37 (hg19) VCF-style: chr14-77492870-C-G.
Other names: short protein forms E422D.
Identifiers: ClinVar variation 4858479 (VCV004858479.1).
Genomic context (GRCh38, chr14:77,026,527, plus strand): 5'-ATACATCTGCTTGGCCACACCAGATGCACTGGAGTACACGTTGCCCGAGCCCGTGGGGTA[C>G]TCAATGAACAGCTTCAATTCGTAGTCCATGCCGGGCTTGGAGACGGCGTCGAAGGCGAAA-3'
Protein context (NP_078772.1, residues 412-432): GMDYELKLFI[Glu422Asp]YPTGSGNVYS